The following is an entry in ClinVar:

NM_001101362.3(KBTBD13):c.*1650T>C

Gene: KBTBD13 (kelch repeat and BTB domain containing 13; plus strand). Cytogenetic location: 15q22.31.
Variant type: single nucleotide variant.
Coding change: c.*1650T>C on transcript NM_001101362.3 (MANE Select); 1650 bases downstream of the stop codon, T replaced by C.
Molecular consequence: 3 prime UTR variant.
Genome position (GRCh38, 1-based): chr15:65,079,842, T>C. VCF-style: chr15-65079842-T-C. GRCh37 (hg19) VCF-style: chr15-65372180-T-C.
Identifiers: ClinVar variation 316778 (VCV000316778.6), dbSNP rs142046728, ClinGen allele CA10642350.
Genomic context (GRCh38, chr15:65,079,842, plus strand): 5'-CTCCGGGGCATGGAGGCTCGCGCCAGGGCTGCACCTAGCTGCCTCTTCTCCTGGCCTATG[T>C]CCCAACCCTGGAGAATGCTGCCCTCAGAAGCCTGGGACCTTCCAGCCCTGGAGTAGCCTA-3'

ClinVar aggregate classification (germline): Benign. Review status: criteria provided, multiple submitters, no conflicts (2 of 4 stars). 2 submissions from 2 submitters: Benign (2). Last evaluated 2018-01-13.

Conditions:
Nemaline myopathy 6 (NEM6). Also called: Nemaline myopathy 6, autosomal dominant. Identifiers: Orphanet 171439, MedGen C1836472, MONDO:0012237, OMIM 609273.

Allele frequency attached by ClinVar (database versions not stated): 1000 Genomes Project 30x 0.00344; gnomAD 0.00304 and 0.00324; TOPMed 0.00334; 1000 Genomes Project 0.00339.
gnomAD v4.1: 494 of 152,314 alleles (0.32%); highest among the groups gnomAD compares: Middle Eastern, 1%; 4 homozygotes.

Submissions (2):

Illumina Laboratory Services, Illumina
Classification: Benign for Nemaline myopathy 6. Last evaluated: 2018-01-13. Review status: criteria provided, single submitter. Criteria: ICSL Variant Classification Criteria 13 December 2019. Collection method: clinical testing. Allele origin: germline.
Comment: This variant was observed in the ICSL laboratory as part of a predisposition screen in an ostensibly healthy population. It had not been previously curated by ICSL or reported in the Human Gene Mutation Database (HGMD: prior to June 1st, 2018), and was therefore a candidate for classification through an automated scoring system. Utilizing variant allele frequency, disease prevalence and penetrance estimates, and inheritance mode, an automated score was calculated to assess if this variant is too frequent to cause the disease. Based on the score and internal cut-off values, a variant classified as benign is not then subjected to further curation. The score for this variant resulted in a classification of benign for this disease.

Breakthrough Genomics
Classification: Benign. Review status: criteria provided, single submitter. Criteria: ACMG Guidelines, 2015. Collection method: not provided. Allele origin: germline. Inheritance: Autosomal dominant inheritance. Affected: yes.